The following is an entry in ClinVar:

ClinVar aggregate classification (germline): Pathogenic/Likely pathogenic. Review status: criteria provided, multiple submitters, no conflicts (2 of 4 stars). 5 submissions from 5 submitters: Pathogenic (3); Likely pathogenic (1). 1 of the submissions does not count toward it. Last evaluated 2024-10-22.

Conditions:
TSC2-related disorder. Also called: TSC2-Related Disorders; TSC2-related condition.
Tuberous sclerosis syndrome (TSC). Also called: Tuberous Sclerosis Complex; Tuberous sclerosis. Identifiers: Orphanet 805, MedGen C0041341, MONDO:0001734.
Isolated focal cortical dysplasia type II (FCORD2). Also called: CORTICAL DYSPLASIA OF TAYLOR; Focal cortical dysplasia type II. Identifiers: Orphanet 268994, MedGen C1846385, MONDO:0011818, OMIM 607341, HP:0032051.
Tuberous sclerosis 2 (TSC2). Identifiers: Orphanet 805, MedGen C1860707, MONDO:0013199, OMIM 613254.

Submissions (5):

GeneDx
Classification: Likely pathogenic. Last evaluated: 2024-10-22. Review status: criteria provided, single submitter. Criteria: GeneDx Variant Classification Process June 2021. Collection method: clinical testing. Allele origin: germline. Affected: yes.
Comment: Frameshift variant predicted to result in protein truncation or nonsense mediated decay in a gene for which loss of function is a known mechanism of disease; This variant is associated with the following publications: (PMID: 32647919, 35918040, 31031587)

Labcorp Genetics (formerly Invitae), Labcorp
Classification: Pathogenic for Tuberous sclerosis 2. Last evaluated: 2024-06-16. Review status: criteria provided, single submitter. Criteria: Invitae Variant Classification Sherloc (09022015). Collection method: clinical testing. Allele origin: germline.
Comment: This sequence change creates a premature translational stop signal (p.Arg1451Alafs*25) in the TSC2 gene. It is expected to result in an absent or disrupted protein product. Loss-of-function variants in TSC2 are known to be pathogenic (PMID: 10205261, 17304050). The frequency data for this variant in the population databases is considered unreliable, as metrics indicate poor data quality at this position in the gnomAD database. This premature translational stop signal has been observed in individual(s) with tuberous sclerosis (PMID: 21520333). ClinVar contains an entry for this variant (Variation ID: 64920). For these reasons, this variant has been classified as Pathogenic.

Baylor Genetics
Classification: Pathogenic for Isolated focal cortical dysplasia type II. Last evaluated: 2022-11-21. Review status: criteria provided, single submitter. Criteria: ACMG Guidelines, 2015. Collection method: clinical testing. Allele origin: unknown.

Blueprint Genetics
Classification: Pathogenic for TSC2-related disorders. Last evaluated: 2022-10-25. Review status: criteria provided, single submitter. Criteria: ACMG Guidelines, 2015. Collection method: clinical testing. Allele origin: germline. Affected: yes. Observed: 1 variant allele.

Tuberous sclerosis database (TSC2)
No classification provided. Condition: TSC. Review status: no classification provided. Criteria: Tuberous Sclerosis Database Assertion Criteria 2015. Collection method: curation. Allele origin: germline. Affected: yes. Not counted in ClinVar's aggregate classification.

Literature cited by the submitters: PubMed 10205261 (cited by Labcorp Genetics (formerly Invitae), Labcorp); PubMed 17304050 (cited by Labcorp Genetics (formerly Invitae), Labcorp); PubMed 21520333 (cited by Labcorp Genetics (formerly Invitae), Labcorp).

NM_000548.5(TSC2):c.4351del (p.Arg1451fs)

Gene: TSC2 (TSC complex subunit 2; plus strand). Cytogenetic location: 16p13.3.
Variant type: Deletion.
Coding change: c.4351del on transcript NM_000548.5 (MANE Select); coding-DNA position 4351, one base deleted (C; older notation c.4351delC).
Protein change: p.Arg1451fs; shifts the reading frame from arginine 1451.
Molecular consequence: frameshift variant.
Genome position (GRCh38, 1-based): chr16:2,084,573, C deleted; the last of 6 consecutive C bases (chr16:2,084,568-2,084,573); deleting any one gives the same sequence. VCF-style (leftmost placement, unchanged base first): chr16-2084567-TC-T. GRCh37 (hg19) VCF-style: chr16-2134568-TC-T.
Other names: c.4150del, p.Arg1384fs (NM_001077183.3); c.4282del, p.Arg1428fs (NM_001114382.3); c.4042del, p.Arg1348fs (NM_001318827.2); c.4006del, p.Arg1336fs (NM_001318829.2); c.3619del, p.Arg1207fs (NM_001318831.2); c.4183del, p.Arg1395fs (NM_001318832.2); c.4153del, p.Arg1385fs (NM_001363528.2); c.4219del, p.Arg1407fs (NM_001370404.1); and 1 more; short protein forms R1207fs, R1336fs, R1384fs, R1395fs, R1408fs, R1428fs, R1407fs, R1348fs.
Identifiers: ClinVar variation 64920 (VCV000064920.12), dbSNP rs397514939, ClinGen allele CA020305.